The following is an entry in ClinVar:

NM_001267550.2(TTN):c.19249A>G (p.Lys6417Glu)

Gene: TTN (titin; minus strand). Cytogenetic location: 2q31.2.
Variant type: single nucleotide variant.
Coding change: c.19249A>G on transcript NM_001267550.2 (MANE Select); coding-DNA position 19249, A replaced by G.
Protein change: p.Lys6417Glu; replaces lysine 6417 with glutamic acid.
Molecular consequence: missense variant. On other transcripts: intron variant (3).
Genome position (GRCh38, 1-based): chr2:178,728,677, T>C on the plus strand (A>G on the coding strand, the complement: TTN is on the minus strand). VCF-style: chr2-178728677-T-C. GRCh37 (hg19) VCF-style: chr2-179593404-T-C.
Other names: c.18298A>G, p.Lys6100Glu (NM_001256850.1); c.15517A>G, p.Lys5173Glu (NM_133378.4); c.13282+9405A>G (NM_003319.4); c.13858+9405A>G (NM_133437.4); c.13657+9405A>G (NM_133432.3); short protein forms K6100E, K5173E, K6417E.
Identifiers: ClinVar variation 4992321 (VCV004992321.1).

ClinVar aggregate classification (germline): Uncertain significance (1 of 4 stars; one submission).

Conditions:
TTN-related disorder. Also called: TTN-related disorders; TTN-related condition; TTN-related disease.

gnomAD v4.1: 6 of 1,613,318 alleles (0.00037%); highest among the groups gnomAD compares: Non-Finnish European, 0.00051%; no homozygotes.

Submission:

PreventionGenetics, part of Exact Sciences
Classification: Uncertain significance for TTN-related condition. Last evaluated: 2025-09-30. Review status: criteria provided, single submitter. Criteria: ACMG Guidelines, 2015. Collection method: clinical testing. Allele origin: germline.
Comment: The TTN c.19249A>G variant is predicted to result in the amino acid substitution p.Lys6417Glu. To our knowledge, this variant has not been reported in the literature. This variant is reported in 0.00089% of alleles in individuals of European (Non-Finnish) descent in gnomAD. At this time, the clinical significance of this variant is uncertain due to the absence of conclusive functional and genetic evidence.